The following is an entry in ClinVar:

NM_003289.4(TPM2):c.536C>T (p.Ser179Leu)

Gene: TPM2 (tropomyosin 2; minus strand). Cytogenetic location: 9p13.3.
Variant type: single nucleotide variant.
Coding change: c.536C>T on transcript NM_003289.4 (MANE Select); coding-DNA position 536, C replaced by T.
Protein change: p.Ser179Leu; replaces serine 179 with leucine.
Molecular consequence: missense variant.
Genome position (GRCh38, 1-based): chr9:35,685,296, G>A on the plus strand (C>T on the coding strand, the complement: TPM2 is on the minus strand). VCF-style: chr9-35685296-G-A. GRCh37 (hg19) VCF-style: chr9-35685293-G-A.
Other names: c.536C>T, p.Ser179Leu (NM_001301226.2, NM_001301227.2, NM_213674.1); short protein forms S179L.
Identifiers: ClinVar variation 458724 (VCV000458724.20), dbSNP rs150120234, ClinGen allele CA5047334.
Genomic context (GRCh38, chr9:35,685,296, plus strand): 5'-ATGGGCTCACTTGTCACCCCCGGGTATCTTTACCTCTCGGCCACCTCAGCCCTCTCCTCC[G>A]AGCGCTCCAGCTCTCCTTCCAGGATCACCAGCTTCCTGGCCACCTGTGGGGAGTGAGAAA-3'
Protein context (NP_003280.2, residues 169-189): LVILEGELER[Ser179Leu]EERAEVAESK

ClinVar aggregate classification (germline): Uncertain significance. Review status: criteria provided, multiple submitters, no conflicts (2 of 4 stars). 5 submissions from 5 submitters: Uncertain significance (5). Last evaluated 2026-01-17.

Conditions:
Arthrogryposis, distal, type 1A. Also called: ARTHROGRYPOSIS MULTIPLEX CONGENITA, DISTAL, TYPE I. Identifiers: Orphanet 1146, MedGen C6022280, MONDO:0007157, OMIM 108120.

Allele frequency attached by ClinVar (database versions not stated): gnomAD exomes 0.00005; TOPMed 0.00023; ESP Exome Variant Server 0.00031; ExAC 0.00006; gnomAD 0.00017.
gnomAD v4.1: 74 of 1,614,030 alleles (0.0046%); highest among the groups gnomAD compares: African/African-American, 0.065%; no homozygotes.

Submissions (5):

Labcorp Genetics (formerly Invitae), Labcorp
Classification: Uncertain significance for Arthrogryposis, distal, type 1A. Last evaluated: 2026-01-17. Review status: criteria provided, single submitter. Criteria: Invitae Variant Classification Sherloc (09022015). Collection method: clinical testing. Allele origin: germline.
Comment: This sequence change replaces serine, which is neutral and polar, with leucine, which is neutral and non-polar, at codon 179 of the TPM2 protein (p.Ser179Leu). This variant is present in population databases (rs150120234, gnomAD 0.05%). This variant has not been reported in the literature in individuals affected with TPM2-related conditions. ClinVar contains an entry for this variant (Variation ID: 458724). Invitae Evidence Modeling of protein sequence and biophysical properties (such as structural, functional, and spatial information, amino acid conservation, physicochemical variation, residue mobility, and thermodynamic stability) indicates that this missense variant is not expected to disrupt TPM2 protein function with a negative predictive value of 80%. In summary, the available evidence is currently insufficient to determine the role of this variant in disease. Therefore, it has been classified as a Variant of Uncertain Significance.

Revvity Omics, Revvity
Classification: Uncertain significance. Last evaluated: 2025-06-20. Review status: criteria provided, single submitter. Criteria: ACMG Guidelines, 2015. Collection method: clinical testing. Allele origin: germline.

GeneDx
Classification: Uncertain significance. Last evaluated: 2024-11-30. Review status: criteria provided, single submitter. Criteria: GeneDx Variant Classification Process June 2021. Collection method: clinical testing. Allele origin: germline. Affected: yes.
Comment: Missense variants in this gene are a common cause of disease and they are underrepresented in the general population; In silico analysis supports that this missense variant has a deleterious effect on protein structure/function; This variant is associated with the following publications: (PMID: 33567613)

Mayo Clinic Laboratories, Mayo Clinic
Classification: Uncertain significance. Last evaluated: 2020-11-09. Review status: criteria provided, single submitter. Criteria: ACMG Guidelines, 2015. Collection method: clinical testing. Allele origin: germline. Observed: 1 variant allele.

Eurofins Ntd Llc (ga)
Classification: Uncertain significance. Last evaluated: 2017-06-02. Review status: criteria provided, single submitter. Criteria: EGL Classification Definitions 2015. Collection method: clinical testing. Allele origin: germline. Observed: 1 variant allele, 1 heterozygote.